The following is an entry in ClinVar:

NM_000135.4(FANCA):c.1979T>C (p.Leu660Pro)

Gene: FANCA (FA complementation group A; minus strand). Cytogenetic location: 16q24.3.
Variant type: single nucleotide variant.
Coding change: c.1979T>C on transcript NM_000135.4 (MANE Select); coding-DNA position 1979, T replaced by C.
Protein change: p.Leu660Pro; replaces leucine 660 with proline.
Molecular consequence: missense variant.
Genome position (GRCh38, 1-based): chr16:89,773,306, A>G on the plus strand (T>C on the coding strand, the complement: FANCA is on the minus strand). VCF-style: chr16-89773306-A-G. GRCh37 (hg19) VCF-style: chr16-89839714-A-G.
Other names: c.1979T>C (LRG_495t1); c.1979T>C, p.Leu660Pro (NM_001286167.3); short protein forms L660P.
Identifiers: ClinVar variation 623180 (VCV000623180.6), dbSNP rs1567621042, ClinGen allele CA397449752.

ClinVar aggregate classification (germline): Conflicting classifications of pathogenicity. Review status: criteria provided, conflicting classifications (1 of 4 stars). 4 submissions from 4 submitters: Pathogenic (2); Uncertain significance (1). 1 of the submissions does not count toward it. Last evaluated 2025-12-22.

Conditions:
Fanconi anemia complementation group A (FANCA). Also called: Fanconi anemia, group A; FANCA-Related Fanconi Anemia. Identifiers: Orphanet 84, MedGen C3469521, MONDO:0009215, OMIM 227650.

Submissions (4):

Myriad Genetics, Inc.
Classification: Uncertain significance for Fanconi anemia complementation group A. Last evaluated: 2025-12-22. Review status: criteria provided, single submitter. Criteria: Myriad Autosomal Dominant, Autosomal Recessive and X-Linked Classification Criteria (2023). Collection method: clinical testing. Allele origin: unknown.
Comment: NM_000135.2(FANCA):c.1979T>C(L660P) is a missense variant classified as a variant of uncertain significance in the context of Fanconi anemia complementation group A. L660P has been observed in cases with relevant disease (PMID: 17924555, 29098742). Relevant functional assessments of this variant are available in the literature (PMID: 17924555, 16720839). L660P has not been observed in referenced population frequency databases. In summary, there is insufficient evidence to classify NM_000135.2(FANCA):c.1979T>C(L660P) as pathogenic or benign. Please note: this variant was assessed in the context of healthy population screening.

Genetics and Genomic Medicine Centre, NeuroGen Healthcare, NeuroGen Healthcare
Classification: Pathogenic for Fanconi anemia complementation group A. Last evaluated: 2021-05-05. Review status: criteria provided, single submitter. Criteria: Submitter's publication. Collection method: clinical testing. Allele origin: unknown. Affected: no.

Molecular Diagnostics Laboratory, M Health Fairview: University of Minnesota
Classification: Pathogenic for Fanconi anemia complementation group A. Last evaluated: 2018-10-04. Review status: criteria provided, single submitter. Criteria: ACMG Guidelines, 2015. Collection method: clinical testing. Allele origin: germline. Affected: yes. Observed: 1 variant allele.

Leiden Open Variation Database
Classification: Pathogenic for Fanconi anemia complementation group A. Last evaluated: 2020-02-28. Review status: no assertion criteria provided. Collection method: curation. Allele origin: germline. Affected: yes. Not counted in ClinVar's aggregate classification.
Comment: Curator: Arleen D. Auerbach. Submitter to LOVD: Johan de Winter.

Literature cited by the submitters: PubMed 16720839 (cited by Myriad Genetics, Inc.); PubMed 17924555 (cited by 3 submitters); PubMed 29098742 (cited by Myriad Genetics, Inc.).